The following is an entry in ClinVar:

ClinVar aggregate classification (germline): Likely pathogenic (1 of 4 stars; one submission).

Conditions:
Seizure. Also called: Seizures. Identifiers: MedGen C0036572, HP:0001250.

Submission:

Cytogénomique, Hospices Civils de Lyon
Classification: Likely pathogenic for Seizure. Last evaluated: 2020-10-29. Review status: criteria provided, single submitter. Criteria: ACMG Guidelines, 2015. Collection method: clinical testing. Allele origin: germline. Inheritance: Sporadic. Affected: yes. Observed: 1 variant allele, 1 heterozygote.
Comment: Absent from gnomAD. Predicted pathogenic. Same position affected by a different pathogenic variant previously. PM1 downgraded.

NM_001165963.4(SCN1A):c.4064T>G (p.Leu1355Arg)

Genes: SCN1A (sodium voltage-gated channel alpha subunit 1; minus strand), LOC102724058 (uncharacterized LOC102724058; plus strand). Cytogenetic location: 2q24.3.
Variant type: single nucleotide variant.
Coding change: c.4064T>G on transcript NM_001165963.4 (MANE Select); coding-DNA position 4064, T replaced by G.
Protein change: p.Leu1355Arg; replaces leucine 1355 with arginine.
Molecular consequence: missense variant. On other transcripts: non-coding transcript variant (1).
Genome position (GRCh38, 1-based): chr2:166,002,692, A>C on the plus strand (T>G on the coding strand, the complement: SCN1A is on the minus strand). VCF-style: chr2-166002692-A-C. GRCh37 (hg19) VCF-style: chr2-166859202-A-C.
Other names: c.3980T>G, p.Leu1327Arg (NM_001165964.3, NM_001353957.2, NM_001353958.2); c.4064T>G, p.Leu1355Arg (NM_001202435.3, NM_001353948.2); c.4031T>G, p.Leu1344Arg (NM_001353949.2, NM_001353950.2, NM_001353951.2 and 2 more transcripts); c.4028T>G, p.Leu1343Arg (NM_001353954.2, NM_001353955.2); c.3977T>G, p.Leu1326Arg (NM_001353960.2); c.1622T>G, p.Leu541Arg (NM_001353961.2); short protein forms L1326R, L1327R, L1343R, L1344R, L1355R, L541R.
Identifiers: ClinVar variation 983217 (VCV000983217.2), dbSNP rs121918776, ClinGen allele CA349050641.